The following is an entry in ClinVar:

ClinVar aggregate classification (germline): Uncertain significance (1 of 4 stars; one submission).

Conditions:
Cerebral creatine deficiency syndrome. Also called: Creatine deficiency syndromes. Identifiers: Orphanet 79172, MedGen C5244016, MONDO:0000456.

Allele frequency attached by ClinVar (database versions not stated): gnomAD exomes below 0.00001; TOPMed below 0.00001.

Submission:

Labcorp Genetics (formerly Invitae), Labcorp
Classification: Uncertain significance for Cerebral creatine deficiency syndrome. Last evaluated: 2020-05-20. Review status: criteria provided, single submitter. Criteria: Invitae Variant Classification Sherloc (09022015). Collection method: clinical testing. Allele origin: germline.
Comment: In summary, the available evidence is currently insufficient to determine the role of this variant in disease. Therefore, it has been classified as a Variant of Uncertain Significance. Algorithms developed to predict the effect of missense changes on protein structure and function output the following: SIFT: "Tolerated"; PolyPhen-2: "Benign"; Align-GVGD: "Class C0". The threonine amino acid residue is found in multiple mammalian species, suggesting that this missense change does not adversely affect protein function. These predictions have not been confirmed by published functional studies and their clinical significance is uncertain. This variant has not been reported in the literature in individuals with GAMT-related conditions. The frequency data for this variant in the population databases is considered unreliable, as metrics indicate insufficient coverage at this position in the ExAC database. This sequence change replaces alanine with threonine at codon 29 of the GAMT protein (p.Ala29Thr). The alanine residue is moderately conserved and there is a small physicochemical difference between alanine and threonine.

NM_000156.6(GAMT):c.85G>A (p.Ala29Thr)

Genes: GAMT (guanidinoacetate N-methyltransferase; minus strand), LOC130062945 (ATAC-STARR-seq lymphoblastoid silent region 9707; plus strand). Cytogenetic location: 19p13.3.
Variant type: single nucleotide variant.
Coding change: c.85G>A on transcript NM_000156.6 (MANE Select); coding-DNA position 85, G replaced by A.
Protein change: p.Ala29Thr; replaces alanine 29 with threonine.
Molecular consequence: missense variant.
Genome position (GRCh38, 1-based): chr19:1,401,392, C>T on the plus strand (G>A on the coding strand, the complement: GAMT is on the minus strand). VCF-style: chr19-1401392-C-T. GRCh37 (hg19) VCF-style: chr19-1401391-C-T.
Other names: c.85G>A, p.Ala29Thr (NM_138924.3); short protein forms A29T.
Identifiers: ClinVar variation 1056003 (VCV001056003.9), dbSNP rs2082633095, ClinGen allele CA402998231.